The following is an entry in ClinVar:

ClinVar aggregate classification (germline): Pathogenic. Review status: reviewed by expert panel (3 of 4 stars). 5 submissions from 5 submitters: Pathogenic (1). 4 of the submissions do not count toward it. Last evaluated 2016-04-22.

Conditions:
Hereditary cancer-predisposing syndrome. Also called: Tumor predisposition; Neoplastic Syndromes, Hereditary; Hereditary Cancer Syndrome; Hereditary neoplastic syndrome. Identifiers: Orphanet 140162, MedGen C0027672, MeSH D009386, MONDO:0015356.
Hereditary breast ovarian cancer syndrome. Also called: Hereditary breast and ovarian cancer syndrome (HBOC); Hereditary breast and ovarian cancer syndrome; Hereditary breast and ovarian cancer; Hereditary breast and/or ovarian cancer syndrome; Breast and ovarian cancer; BRCA1- and BRCA2-Associated Hereditary Breast and Ovarian Cancer. Identifiers: Orphanet 145, MedGen C0677776, MeSH D061325, MONDO:0003582. Disease mechanism: loss of function.
Breast-ovarian cancer, familial, susceptibility to, 1 (BROVCA1). Also called: OVARIAN CANCER, SUSCEPTIBILITY TO; BRCA1 Hereditary Breast and Ovarian Cancer. Identifiers: Orphanet 145, MedGen C2676676, MONDO:0011450, OMIM 604370. Disease mechanism: loss of function.

Submissions (5):

Evidence-based Network for the Interpretation of Germline Mutant Alleles (ENIGMA)
Classification: Pathogenic for Breast-ovarian cancer, familial, susceptibility to, 1. Last evaluated: 2016-04-22. Review status: reviewed by expert panel. Criteria: ENIGMA BRCA1/2 Classification Criteria (2015). Collection method: curation. Allele origin: germline.
Comment: Variant allele predicted to encode a truncated non-functional protein.

Ambry Genetics
Classification: Pathogenic for Hereditary cancer-predisposing syndrome. Last evaluated: 2022-11-02. Review status: criteria provided, single submitter. Criteria: Ambry Variant Classification Scheme 2023. Collection method: clinical testing. Allele origin: germline. Not counted in ClinVar's aggregate classification.
Comment: The c.2074delC pathogenic mutation, located in coding exon 9 of the BRCA1 gene, results from a deletion of one nucleotide at nucleotide position 2074, causing a translational frameshift with a predicted alternate stop codon (p.H692Mfs*9). This mutation, designated 2193delC, was identified in one of 19 individuals in a cohort considered high-risk for breast cancer (Hegde MR et al. Hum. Mutat. 2000 Nov;16:422-30). In addition to the clinical data presented in the literature, this alteration is expected to result in loss of function by premature protein truncation or nonsense-mediated mRNA decay. As such, this alteration is interpreted as a disease-causing mutation.

Labcorp Genetics (formerly Invitae), Labcorp
Classification: Pathogenic for Hereditary breast ovarian cancer syndrome. Last evaluated: 2022-05-25. Review status: criteria provided, single submitter. Criteria: Invitae Variant Classification Sherloc (09022015). Collection method: clinical testing. Allele origin: germline. Not counted in ClinVar's aggregate classification.
Comment: This sequence change creates a premature translational stop signal (p.His692Metfs*9) in the BRCA1 gene. It is expected to result in an absent or disrupted protein product. Loss-of-function variants in BRCA1 are known to be pathogenic (PMID: 20104584). This variant is not present in population databases (gnomAD no frequency). This premature translational stop signal has been observed in individual(s) with family history of BRCA1-related cancer (PMID: 11058900). ClinVar contains an entry for this variant (Variation ID: 54451). For these reasons, this variant has been classified as Pathogenic.

Consortium of Investigators of Modifiers of BRCA1/2 (CIMBA), c/o University of Cambridge
Classification: Pathogenic for Breast-ovarian cancer, familial, susceptibility to, 1. Last evaluated: 2015-10-02. Review status: criteria provided, single submitter. Criteria: CIMBA Mutation Classification guidelines May 2016. Collection method: clinical testing. Allele origin: germline. Not counted in ClinVar's aggregate classification.

Breast Cancer Information Core (BIC) (BRCA1)
Classification: Pathogenic for Breast-ovarian cancer, familial 1. Last evaluated: 1999-12-30. Review status: no assertion criteria provided. Collection method: clinical testing. Allele origin: germline. Affected: yes. Observed: 1 variant allele. Not counted in ClinVar's aggregate classification.

Literature cited by the submitters: PubMed 11058900 (cited by Ambry Genetics and Labcorp Genetics (formerly Invitae), Labcorp); PubMed 20104584 (cited by Labcorp Genetics (formerly Invitae), Labcorp).

NM_007294.4(BRCA1):c.2074del (p.His692fs)

Gene: BRCA1 (BRCA1 DNA repair associated; minus strand). Cytogenetic location: 17q21.31.
Variant type: Deletion.
Coding change: c.2074del on transcript NM_007294.4 (MANE Select); coding-DNA position 2074, one base deleted (C; older notation c.2074delC).
Protein change: p.His692fs; shifts the reading frame from histidine 692.
Molecular consequence: frameshift variant. On other transcripts: intron variant (137).
Genome position (GRCh38, 1-based): chr17:43,093,457, G deleted on the plus strand (C on the coding strand, the reverse complement: BRCA1 is on the minus strand). VCF-style (leftmost placement, unchanged base first): chr17-43093456-TG-T. GRCh37 (hg19) VCF-style: chr17-41245473-TG-T.
Other names: 2193delC; c.1861del, p.His621fs (NM_001407571.1, NM_001407853.1, NM_001407894.1 and 9 more transcripts); c.2074del, p.His692fs (NM_001407581.1, NM_001407582.1, NM_001407583.1 and 30 more transcripts); c.2071del, p.His691fs (NM_001407587.1, NM_001407590.1, NM_001407591.1 and 22 more transcripts); c.2065del, p.His689fs (NM_001407646.1, NM_001407647.1); c.1951del, p.His651fs (NM_001407648.1, NM_001407664.1, NM_001407665.1 and 19 more transcripts); c.1948del, p.His650fs (NM_001407649.1, NM_001407670.1, NM_001407671.1 and 11 more transcripts); c.1996del, p.His666fs (NM_001407653.1, NM_001407654.1, NM_001407655.1 and 4 more transcripts); and 41 more; short protein forms H645fs, H692fs, H603fs, H625fs, H651fs, H689fs, H524fs, H604fs.
Identifiers: ClinVar variation 54451 (VCV000054451.15), dbSNP rs80357554, ClinGen allele CA001372.
Genomic context (GRCh38, chr17:43,093,456, plus strand): 5'-CACTTAGTAAAAGAACCAGGTGCATTTGTTAACTTCAGCTCTGGGAAAGTATCGCTGTCA[TG>T]TCTTTTACTTGTCTGTTCATTTGGCTTGTTACTCTTCTTGGCTCCAGTTGCAGGTTCTTT-3'